The following is an entry in ClinVar:

NM_022489.4(INF2):c.1408G>C (p.Ala470Pro)

Gene: INF2 (inverted formin 2; plus strand). Cytogenetic location: 14q32.33.
Variant type: single nucleotide variant.
Coding change: c.1408G>C on transcript NM_022489.4 (MANE Select); coding-DNA position 1408, G replaced by C.
Protein change: p.Ala470Pro; replaces alanine 470 with proline.
Molecular consequence: missense variant. On other transcripts: non-coding transcript variant (1).
Genome position (GRCh38, 1-based): chr14:104,707,675, G>C. VCF-style: chr14-104707675-G-C. GRCh37 (hg19) VCF-style: chr14-105174012-G-C.
Other names: c.1408G>C, p.Ala470Pro (NM_001031714.4, NM_001426862.1, NM_001426863.1 and 2 more transcripts); short protein forms A470P.
Identifiers: ClinVar variation 4794605 (VCV004794605.1).

ClinVar aggregate classification (germline): Uncertain significance (1 of 4 stars; one submission).

Conditions:
Focal segmental glomerulosclerosis 5 (FSGS5). Identifiers: Orphanet 656, MedGen C2750475, MONDO:0013191, OMIM 613237.
Charcot-Marie-Tooth disease dominant intermediate E. Also called: CHARCOT-MARIE-TOOTH NEUROPATHY WITH FOCAL SEGMENTAL GLOMERULONEPHRITIS. Identifiers: Orphanet 93114, MedGen C4302667, MONDO:0013758, OMIM 614455.

gnomAD v4.1: 1 of 953,190 alleles (0.0001%); highest among the groups gnomAD compares: Non-Finnish European, 0.00016%; no homozygotes.

Submission:

Labcorp Genetics (formerly Invitae), Labcorp
Classification: Uncertain significance for Charcot-Marie-Tooth disease dominant intermediate E; Focal segmental glomerulosclerosis 5. Last evaluated: 2025-03-03. Review status: criteria provided, single submitter. Criteria: Invitae Variant Classification Sherloc (09022015). Collection method: clinical testing. Allele origin: germline.
Comment: This sequence change replaces alanine, which is neutral and non-polar, with proline, which is neutral and non-polar, at codon 470 of the INF2 protein (p.Ala470Pro). This variant is not present in population databases (gnomAD no frequency). This variant has not been reported in the literature in individuals affected with INF2-related conditions. Invitae Evidence Modeling of protein sequence and biophysical properties (such as structural, functional, and spatial information, amino acid conservation, physicochemical variation, residue mobility, and thermodynamic stability) indicates that this missense variant is not expected to disrupt INF2 protein function with a negative predictive value of 95%. In summary, the available evidence is currently insufficient to determine the role of this variant in disease. Therefore, it has been classified as a Variant of Uncertain Significance.